The following is an entry in ClinVar:

NM_000548.5(TSC2):c.3875C>T (p.Ser1292Phe)

Gene: TSC2 (TSC complex subunit 2; plus strand). Cytogenetic location: 16p13.3.
Variant type: single nucleotide variant.
Coding change: c.3875C>T on transcript NM_000548.5 (MANE Select); coding-DNA position 3875, C replaced by T.
Protein change: p.Ser1292Phe; replaces serine 1292 with phenylalanine.
Molecular consequence: missense variant. On other transcripts: intron variant (6).
Genome position (GRCh38, 1-based): chr16:2,082,496, C>T. VCF-style: chr16-2082496-C-T. GRCh37 (hg19) VCF-style: chr16-2132497-C-T.
Other names: c.3143C>T, p.Ser1048Phe (NM_001318831.2); c.3743C>T, p.Ser1248Phe (NM_001370404.1); c.3746C>T, p.Ser1249Phe (NM_001370405.1, NM_021055.3); c.3814+698C>T (NM_001114382.3); c.3685+698C>T (NM_001363528.2); c.3682+698C>T (NM_001077183.3); c.3574+698C>T (NM_001318827.2); c.3538+698C>T (NM_001318829.2); and 1 more; short protein forms S1292F, S1048F, S1248F, S1249F.
Identifiers: ClinVar variation 468044 (VCV000468044.21), dbSNP rs796053497, ClinGen allele CA394295239.
Genomic context (GRCh38, chr16:2,082,496, plus strand): 5'-TGGCCTCTTTCTCCTCCCTGTACCAGTCCAGCTGCCAAGGACAGCTGCACAGGAGCGTTT[C>T]CTGGGCAGGTATCGCCTCTCAGAGGGAAGCGGTTGGCTGCAGAGCGCCACTCTGCCTCAT-3'
Protein context (NP_000539.2, residues 1282-1302): SCQGQLHRSV[Ser1292Phe]WADSAVVMEE

ClinVar aggregate classification (germline): Uncertain significance. Review status: criteria provided, multiple submitters, no conflicts (2 of 4 stars). 5 submissions from 5 submitters: Uncertain significance (5). Last evaluated 2025-09-05.

Conditions:
Hereditary cancer-predisposing syndrome. Also called: Hereditary neoplastic syndrome; Neoplastic Syndromes, Hereditary; Tumor predisposition; Hereditary Cancer Syndrome. Identifiers: Orphanet 140162, MedGen C0027672, MeSH D009386, MONDO:0015356.
Tuberous sclerosis 2 (TSC2). Identifiers: Orphanet 805, MedGen C1860707, MONDO:0013199, OMIM 613254.
Isolated focal cortical dysplasia type II (FCORD2). Also called: CORTICAL DYSPLASIA OF TAYLOR; Focal cortical dysplasia type II. Identifiers: Orphanet 268994, MedGen C1846385, MONDO:0011818, OMIM 607341, HP:0032051.
Lymphangiomyomatosis (LAM). Also called: Lymphangioleiomyomatosis; Lymphangioleiomyomatosis, somatic. Identifiers: Orphanet 538, MedGen C0751674, MONDO:0011705, OMIM 606690.

Allele frequency attached by ClinVar (database versions not stated): TOPMed 0.00002.
gnomAD v4.1: 38 of 1,611,764 alleles (0.0024%); highest among the groups gnomAD compares: Non-Finnish European, 0.0032%; no homozygotes.

Submissions (5):

Labcorp Genetics (formerly Invitae), Labcorp
Classification: Uncertain significance for Tuberous sclerosis 2. Last evaluated: 2025-09-05. Review status: criteria provided, single submitter. Criteria: Invitae Variant Classification Sherloc (09022015). Collection method: clinical testing. Allele origin: germline.
Comment: This sequence change replaces serine, which is neutral and polar, with phenylalanine, which is neutral and non-polar, at codon 1292 of the TSC2 protein (p.Ser1292Phe). This variant is not present in population databases (gnomAD no frequency). This variant has not been reported in the literature in individuals affected with TSC2-related conditions. ClinVar contains an entry for this variant (Variation ID: 468044). Invitae Evidence Modeling of protein sequence and biophysical properties (such as structural, functional, and spatial information, amino acid conservation, physicochemical variation, residue mobility, and thermodynamic stability) indicates that this missense variant is not expected to disrupt TSC2 protein function with a negative predictive value of 95%. In summary, the available evidence is currently insufficient to determine the role of this variant in disease. Therefore, it has been classified as a Variant of Uncertain Significance.

Ambry Genetics
Classification: Uncertain significance for Hereditary cancer-predisposing syndrome. Last evaluated: 2024-11-27. Review status: criteria provided, single submitter. Criteria: Ambry Variant Classification Scheme 2023. Collection method: clinical testing. Allele origin: germline.
Comment: The p.S1292F variant (also known as c.3875C>T), located in coding exon 31 of the TSC2 gene, results from a C to T substitution at nucleotide position 3875. The serine at codon 1292 is replaced by phenylalanine, an amino acid with highly dissimilar properties. This amino acid position is highly conserved in available vertebrate species. In addition, this alteration is predicted to be deleterious by in silico analysis. Based on the available evidence, the clinical significance of this variant remains unclear.

GeneDx
Classification: Uncertain significance. Last evaluated: 2022-07-28. Review status: criteria provided, single submitter. Criteria: GeneDx Variant Classification Process June 2021. Collection method: clinical testing. Allele origin: germline. Affected: yes.
Comment: Not observed at significant frequency in large population cohorts (gnomAD); In silico analysis supports that this missense variant does not alter protein structure/function; Has not been previously published as pathogenic or benign to our knowledge

Genome-Nilou Lab
Classification: Uncertain significance for Tuberous sclerosis 2. Last evaluated: 2021-11-07. Review status: criteria provided, single submitter. Criteria: ACMG Guidelines, 2015. Collection method: clinical testing. Allele origin: germline. Affected: no.

Fulgent Genetics
Classification: Uncertain significance for Lymphangiomyomatosis; Isolated focal cortical dysplasia type II; Tuberous sclerosis 2. Last evaluated: 2021-07-11. Review status: criteria provided, single submitter. Criteria: ACMG Guidelines, 2015. Collection method: clinical testing. Allele origin: unknown.